The following is an entry in ClinVar:

ClinVar aggregate classification (germline): Uncertain significance (1 of 4 stars; one submission).

Conditions:
Acrocallosal syndrome (ACLS). Also called: HALLUX DUPLICATION, POSTAXIAL POLYDACTYLY, AND ABSENCE OF CORPUS CALLOSUM; Schinzel syndrome 1; Absence of corpus callosum with unusual facial appearance, mental deficiency, duplication of the halluces and polydactyly. Identifiers: Orphanet 36, MedGen C0796147, MONDO:0008708, OMIM 200990.

Submission:

Labcorp Genetics (formerly Invitae), Labcorp
Classification: Uncertain significance for Acrocallosal syndrome. Last evaluated: 2022-11-01. Review status: criteria provided, single submitter. Criteria: Invitae Variant Classification Sherloc (09022015). Collection method: clinical testing. Allele origin: germline.
Comment: A copy number gain of the genomic region encompassing the full coding sequence of the KIF7 gene has been identified. The boundaries of this event are unknown as they extend beyond the assayed region for this gene and therefore may encompass additional genes. As the precise location of this event is unknown, it may be in tandem or it may be located elsewhere in the genome. Isolated whole-gene copy number gains of KIF7 have not been reported in the literature. However, larger copy number events that include this gene have been reported (PMID: 28805617). In summary, the available evidence is currently insufficient to determine the role of this variant in disease. Therefore, it has been classified as a Variant of Uncertain Significance.

Literature cited by the submitters: PubMed 28805617.

NC_000015.9:g.(?_90171650)_(90196161_?)dup

Gene: KIF7 (kinesin family member 7; minus strand). Cytogenetic location: 15q26.1.
Variant type: Duplication.
Identifiers: ClinVar variation 1412980 (VCV001412980.4).